The following is an entry in ClinVar:

ClinVar aggregate classification (germline): Likely pathogenic (1 of 4 stars; one submission).

Conditions:
Larsen syndrome (LRS). Also called: Bilateral dislocation of the knees, pes cavus, cylindrically shaped fingers and characteristic facies; Larsen syndrome (FLNB-LS). Identifiers: Orphanet 503, MedGen C0175778, MONDO:0007875, OMIM 150250. Disease mechanism: loss of function.

Submission:

Equipe Genetique des Anomalies du Developpement, Université de Bourgogne
Classification: Likely pathogenic for Larsen syndrome. Last evaluated: 2024-12-18. Review status: criteria provided, single submitter. Criteria: ACMG Guidelines, 2015. Collection method: clinical testing. Allele origin: maternal. Affected: yes.
Comment: This heterozygous variant in the FLNB gene impacts an amino acid that is conserved in approximately 90% of vertebrates and is situated in a functional domain. This variant is also situated in a hot-spot of pathogenic missense variants (PMID: 33255942). In silico prediction tools are in favour of a deleterious effect. This variant is absent from the population database gnomAD (v4.1.0) . Pathogenic monoallelic variants in this gene are responsible for Larsen syndrome (MIM #150250), of autosomal dominant transmission. According to available evidence, this variant is considered to be likely pathogenic.

Literature cited by the submitters: PubMed 33255942.

NM_001457.4(FLNB):c.492C>A (p.Asn164Lys)

Gene: FLNB (filamin B; plus strand). Cytogenetic location: 3p14.3.
Variant type: single nucleotide variant.
Coding change: c.492C>A on transcript NM_001457.4 (MANE Select); coding-DNA position 492, C replaced by A.
Protein change: p.Asn164Lys; replaces asparagine 164 with lysine.
Molecular consequence: missense variant.
Genome position (GRCh38, 1-based): chr3:58,077,245, C>A. VCF-style: chr3-58077245-C-A. GRCh37 (hg19) VCF-style: chr3-58062972-C-A.
Other names: c.492C>A, p.Asn164Lys (NM_001164317.2, NM_001164318.2, NM_001164319.2); short protein forms N164K.
Identifiers: ClinVar variation 3893190 (VCV003893190.1).